The following is an entry in ClinVar:

ClinVar aggregate classification (germline): Pathogenic (1 of 4 stars; one submission).

Conditions:
Familial hypocalciuric hypercalcemia (FHH). Also called: Familial benign hypercalcemia. Identifiers: Orphanet 405, MedGen C1809471, MONDO:0018458.
Autosomal dominant hypocalcemia 1 (HYPOC1). Also called: HYPOCALCEMIA, FAMILIAL. Identifiers: MedGen C3715128, MONDO:0011013, OMIM 601198.

Submission:

Labcorp Genetics (formerly Invitae), Labcorp
Classification: Pathogenic for Familial hypocalciuric hypercalcemia; Autosomal dominant hypocalcemia 1. Last evaluated: 2022-10-30. Review status: criteria provided, single submitter. Criteria: Invitae Variant Classification Sherloc (09022015). Collection method: clinical testing. Allele origin: germline.
Comment: This variant has not been reported in the literature in individuals affected with CASR-related conditions. ClinVar contains an entry for this variant (Variation ID: 1071398). This variant disrupts a region of the CASR protein in which other variant(s) (p.Trp718*) have been determined to be pathogenic (PMID: 9395465). This suggests that this is a clinically significant region of the protein, and that variants that disrupt it are likely to be disease-causing. For these reasons, this variant has been classified as Pathogenic. This sequence change creates a premature translational stop signal (p.His595Thrfs*32) in the CASR gene. While this is not anticipated to result in nonsense mediated decay, it is expected to disrupt the last 484 amino acid(s) of the CASR protein. This variant is not present in population databases (gnomAD no frequency).

Literature cited by the submitters: PubMed 9395465.

NM_000388.4(CASR):c.1783del (p.His595fs)

Gene: CASR (calcium sensing receptor; plus strand). Cytogenetic location: 3q21.1.
Variant type: Deletion.
Coding change: c.1783del on transcript NM_000388.4 (MANE Select); coding-DNA position 1783, one base deleted (C; older notation c.1783delC).
Protein change: p.His595fs; shifts the reading frame from histidine 595.
Molecular consequence: frameshift variant.
Genome position (GRCh38, 1-based): chr3:122,283,737, C deleted; the last of 2 consecutive C bases (chr3:122,283,736-122,283,737); deleting either gives the same sequence. VCF-style (leftmost placement, unchanged base first): chr3-122283735-AC-A. GRCh37 (hg19) VCF-style: chr3-122002582-AC-A.
Other names: c.1813del, p.His605fs (NM_001178065.2); short protein forms H595fs, H605fs.
Identifiers: ClinVar variation 1071398 (VCV001071398.9), dbSNP rs2107649406, ClinGen allele CA2499216409.